The following is an entry in ClinVar:

NM_003924.4(PHOX2B):c.832G>T (p.Gly278Cys)

Gene: PHOX2B (paired like homeobox 2B; minus strand). Cytogenetic location: 4p13.
Variant type: single nucleotide variant.
Coding change: c.832G>T on transcript NM_003924.4 (MANE Select); coding-DNA position 832, G replaced by T.
Protein change: p.Gly278Cys; replaces glycine 278 with cysteine.
Molecular consequence: missense variant.
Genome position (GRCh38, 1-based): chr4:41,745,920, C>A on the plus strand (G>T on the coding strand, the complement: PHOX2B is on the minus strand). VCF-style: chr4-41745920-C-A. GRCh37 (hg19) VCF-style: chr4-41747937-C-A.
Other names: short protein forms G278C.
Identifiers: ClinVar variation 5026633 (VCV005026633.1).

ClinVar aggregate classification (germline): Uncertain significance (1 of 4 stars; one submission).

Conditions:
Hereditary cancer-predisposing syndrome. Also called: Neoplastic Syndromes, Hereditary; Tumor predisposition; Hereditary neoplastic syndrome; Hereditary Cancer Syndrome. Identifiers: Orphanet 140162, MedGen C0027672, MeSH D009386, MONDO:0015356.

Submission:

Ambry Genetics
Classification: Uncertain significance for Hereditary cancer-predisposing syndrome. Last evaluated: 2026-07-29. Review status: criteria provided, single submitter. Criteria: Ambry Variant Classification Scheme 2023. Collection method: clinical testing. Allele origin: germline.
Comment: The p.G278C variant (also known as c.832G>T), located in coding exon 3 of the PHOX2B gene, results from a G to T substitution at nucleotide position 832. The glycine at codon 278 is replaced by cysteine, an amino acid with highly dissimilar properties. This amino acid position is conserved. In addition, the in silico prediction for this alteration is inconclusive. Based on the available evidence, the clinical significance of this variant remains unclear.